The following is an entry in ClinVar:

ClinVar aggregate classification (germline): Uncertain significance. Review status: criteria provided, multiple submitters, no conflicts (2 of 4 stars). 2 submissions from 2 submitters: Uncertain significance (2). Last evaluated 2024-10-16.

Conditions:
Cardiovascular phenotype. Identifiers: MedGen CN230736.
Brugada syndrome. Also called: Sudden unexplained nocturnal death syndrome; Sudden unexpected nocturnal death syndrome; Sudden Unexplained Death Syndrome; Sudden Unexplained Nocturnal Death Syndrome (SUNDS). Identifiers: Orphanet 130, MedGen C1142166, MONDO:0015263.

Allele frequency attached by ClinVar (database versions not stated): gnomAD 0.00001; gnomAD exomes 0.00002 and 0.00004; TOPMed 0.00002; ExAC 0.00003.
gnomAD v4.1: 63 of 1,612,588 alleles (0.0039%); highest among the groups gnomAD compares: Non-Finnish European, 0.005%; no homozygotes.

Submissions (2):

Labcorp Genetics (formerly Invitae), Labcorp
Classification: Uncertain significance for Brugada syndrome. Last evaluated: 2024-10-16. Review status: criteria provided, single submitter. Criteria: Invitae Variant Classification Sherloc (09022015). Collection method: clinical testing. Allele origin: germline.
Comment: This sequence change replaces glycine, which is neutral and non-polar, with serine, which is neutral and polar, at codon 895 of the CACNA2D1 protein (p.Gly895Ser). This variant is present in population databases (rs772889955, gnomAD 0.005%). This variant has not been reported in the literature in individuals affected with CACNA2D1-related conditions. ClinVar contains an entry for this variant (Variation ID: 1057990). An algorithm developed to predict the effect of missense changes on protein structure and function (PolyPhen-2) suggests that this variant is likely to be tolerated. In summary, the available evidence is currently insufficient to determine the role of this variant in disease. Therefore, it has been classified as a Variant of Uncertain Significance.

Ambry Genetics
Classification: Uncertain significance for Cardiovascular phenotype. Last evaluated: 2023-12-25. Review status: criteria provided, single submitter. Criteria: Ambry Variant Classification Scheme 2023. Collection method: clinical testing. Allele origin: germline.
Comment: The p.G895S variant (also known as c.2683G>A), located in coding exon 33 of the CACNA2D1 gene, results from a G to A substitution at nucleotide position 2683. The glycine at codon 895 is replaced by serine, an amino acid with similar properties. This amino acid position is conserved. In addition, this alteration is predicted to be tolerated by in silico analysis. Since supporting evidence is limited at this time, the clinical significance of this alteration remains unclear.

NM_000722.4(CACNA2D1):c.2683G>A (p.Gly895Ser)

Gene: CACNA2D1 (calcium voltage-gated channel auxiliary subunit alpha2delta 1; minus strand). Cytogenetic location: 7q21.11.
Variant type: single nucleotide variant.
Coding change: c.2683G>A on transcript NM_000722.4 (MANE Select); coding-DNA position 2683, G replaced by A.
Protein change: p.Gly895Ser; replaces glycine 895 with serine.
Molecular consequence: missense variant.
Genome position (GRCh38, 1-based): chr7:81,964,251, C>T on the plus strand (G>A on the coding strand, the complement: CACNA2D1 is on the minus strand). VCF-style: chr7-81964251-C-T. GRCh37 (hg19) VCF-style: chr7-81593567-C-T.
Other names: c.2719G>A, p.Gly907Ser (NM_001366867.1); short protein forms G895S, G907S.
Identifiers: ClinVar variation 1057990 (VCV001057990.11), dbSNP rs772889955, ClinGen allele CA4317553.